The following is an entry in ClinVar:

ClinVar aggregate classification (germline): Uncertain significance (1 of 4 stars; one submission).

Submission:

GeneDx
Classification: Uncertain significance. Last evaluated: 2025-04-02. Review status: criteria provided, single submitter. Criteria: GeneDx Variant Classification Process June 2021. Collection method: clinical testing. Allele origin: germline. Affected: yes.
Comment: Not observed at significant frequency in large population cohorts (gnomAD); In silico analysis supports that this missense variant has a deleterious effect on protein structure/function; Has not been previously published as pathogenic or benign to our knowledge

NM_014043.4(CHMP2B):c.21G>C (p.Lys7Asn)

Gene: CHMP2B (charged multivesicular body protein 2B; plus strand). Cytogenetic location: 3p11.2.
Variant type: single nucleotide variant.
Coding change: c.21G>C on transcript NM_014043.4 (MANE Select); coding-DNA position 21, G replaced by C.
Protein change: p.Lys7Asn; replaces lysine 7 with asparagine.
Molecular consequence: missense variant. On other transcripts: 5 prime UTR variant (2).
Genome position (GRCh38, 1-based): chr3:87,227,543, G>C. VCF-style: chr3-87227543-G-C. GRCh37 (hg19) VCF-style: chr3-87276693-G-C.
Other names: c.-11G>C (NM_001244644.2, NM_001410777.1); short protein forms K7N.
Identifiers: ClinVar variation 4278633 (VCV004278633.1).